The following is an entry in ClinVar:

NM_005184.4(CALM3):c.325G>A (p.Val109Ile)

Gene: CALM3 (calmodulin 3; plus strand). Cytogenetic location: 19q13.32.
Variant type: single nucleotide variant.
Coding change: c.325G>A on transcript NM_005184.4 (MANE Select); coding-DNA position 325, G replaced by A.
Protein change: p.Val109Ile; replaces valine 109 with isoleucine.
Molecular consequence: missense variant.
Genome position (GRCh38, 1-based): chr19:46,608,885, G>A. VCF-style: chr19-46608885-G-A. GRCh37 (hg19) VCF-style: chr19-47112142-G-A.
Other names: c.217G>A, p.Val73Ile (NM_001329921.1, NM_001329923.1, NM_001329924.2 and 2 more transcripts); c.325G>A, p.Val109Ile (NM_001329922.1); c.325G>A (NM_005184.2); short protein forms V109I, V73I.
Identifiers: ClinVar variation 2724342 (VCV002724342.4), dbSNP rs1049107500, ClinGen allele CA309077352.

ClinVar aggregate classification (germline): Uncertain significance. Review status: criteria provided, multiple submitters, no conflicts (2 of 4 stars). 2 submissions from 2 submitters: Uncertain significance (2). Last evaluated 2025-06-28.

Conditions:
Long QT syndrome 1 (LQT1). Identifiers: Orphanet 101016, Orphanet 768, MedGen C4551647, MONDO:0100316, OMIM 192500, MONDO:0008646.
Cardiovascular phenotype. Identifiers: MedGen CN230736.

Allele frequency attached by ClinVar (database versions not stated): TOPMed 0.00001.
gnomAD v4.1: 5 of 1,601,098 alleles (0.00031%); highest among the groups gnomAD compares: Non-Finnish European, 0.00043%; no homozygotes.

Submissions (2):

Ambry Genetics
Classification: Uncertain significance for Cardiovascular phenotype. Last evaluated: 2025-06-28. Review status: criteria provided, single submitter. Criteria: Ambry Variant Classification Scheme 2023. Collection method: clinical testing. Allele origin: germline.
Comment: The p.V109I variant (also known as c.325G>A), located in coding exon 5 of the CALM3 gene, results from a G to A substitution at nucleotide position 325. The valine at codon 109 is replaced by isoleucine, an amino acid with highly similar properties. This amino acid position is conserved. In addition, the in silico prediction for this alteration is inconclusive. Based on the available evidence, the clinical significance of this variant remains unclear.

Labcorp Genetics (formerly Invitae), Labcorp
Classification: Uncertain significance for Long QT syndrome 1. Last evaluated: 2024-04-06. Review status: criteria provided, single submitter. Criteria: Invitae Variant Classification Sherloc (09022015). Collection method: clinical testing. Allele origin: germline.
Comment: This sequence change replaces valine, which is neutral and non-polar, with isoleucine, which is neutral and non-polar, at codon 109 of the CALM3 protein (p.Val109Ile). This variant is not present in population databases (gnomAD no frequency). This variant has not been reported in the literature in individuals affected with CALM3-related conditions. An algorithm developed to predict the effect of missense changes on protein structure and function (PolyPhen-2) suggests that this variant is likely to be tolerated. In summary, the available evidence is currently insufficient to determine the role of this variant in disease. Therefore, it has been classified as a Variant of Uncertain Significance.